The following is an entry in ClinVar:

NM_000051.4(ATM):c.8238del (p.Lys2747fs)

Genes: ATM (ATM serine/threonine kinase; plus strand), C11orf65 (chromosome 11 open reading frame 65; minus strand). Cytogenetic location: 11q22.3.
Variant type: Deletion.
Coding change: c.8238del on transcript NM_000051.4 (MANE Select); coding-DNA position 8238, one base deleted (G; older notation c.8238delG).
Protein change: p.Lys2747fs; shifts the reading frame from lysine 2747.
Molecular consequence: frameshift variant. On other transcripts: intron variant (2).
Genome position (GRCh38, 1-based): chr11:108,335,931, G deleted; the last of 2 consecutive G bases (chr11:108,335,930-108,335,931); deleting either gives the same sequence. VCF-style (leftmost placement, unchanged base first): chr11-108335929-AG-A. GRCh37 (hg19) VCF-style: chr11-108206656-AG-A.
Other names: c.8238del, p.Lys2747fs (NM_001351834.2); c.641-26859del (NM_001330368.2); c.695-638del (NM_001351110.2); short protein forms K2747fs.
Identifiers: ClinVar variation 1996306 (VCV001996306.4), dbSNP rs2547348159, ClinGen allele CA2580083132.
Genomic context (GRCh38, chr11:108,335,929, plus strand): 5'-GCTGTCATGCAACAGGTCTTCCAGATGTGTAATACATTACTGCAGAGAAACACGGAAACT[AG>A]GAAGAGGAAATTAACTATCTGTACTTATAAGGTAACTATTTGTACTTCTGTTAGTTCACC-3'

ClinVar aggregate classification (germline): Pathogenic (1 of 4 stars; one submission).

Conditions:
Ataxia-telangiectasia syndrome (AT). Also called: Ataxia-telangiectasia, complementation group D; AT, COMPLEMENTATION GROUP C; ATAXIA-TELANGIECTASIA, COMPLEMENTATION GROUP A; ATAXIA-TELANGIECTASIA, FRESNO VARIANT; Ataxia-telangiectasia, complementation group E; LOUIS-BAR SYNDROME. Identifiers: Orphanet 100, MedGen C0004135, MONDO:0008840, OMIM 208900.

Submission:

Labcorp Genetics (formerly Invitae), Labcorp
Classification: Pathogenic for Ataxia-telangiectasia syndrome. Last evaluated: 2022-05-19. Review status: criteria provided, single submitter. Criteria: Invitae Variant Classification Sherloc (09022015). Collection method: clinical testing. Allele origin: germline.
Comment: For these reasons, this variant has been classified as Pathogenic. This variant has not been reported in the literature in individuals affected with ATM-related conditions. This sequence change creates a premature translational stop signal (p.Lys2747Argfs*4) in the ATM gene. It is expected to result in an absent or disrupted protein product. Loss-of-function variants in ATM are known to be pathogenic (PMID: 23807571, 25614872). This variant is not present in population databases (gnomAD no frequency).

Literature cited by the submitters: PubMed 23807571; PubMed 25614872.